The following is an entry in ClinVar:

ClinVar aggregate classification (germline): Uncertain significance (1 of 4 stars; one submission).

Allele frequency attached by ClinVar (database versions not stated): TOPMed below 0.00001.

Submission:

Labcorp Genetics (formerly Invitae), Labcorp
Classification: Uncertain significance. Last evaluated: 2022-08-15. Review status: criteria provided, single submitter. Criteria: Invitae Variant Classification Sherloc (09022015). Collection method: clinical testing. Allele origin: germline.
Comment: This sequence change replaces isoleucine, which is neutral and non-polar, with threonine, which is neutral and polar, at codon 51 of the LIPT1 protein (p.Ile51Thr). This variant is not present in population databases (gnomAD no frequency). This variant has not been reported in the literature in individuals affected with LIPT1-related conditions. Algorithms developed to predict the effect of missense changes on protein structure and function (SIFT, PolyPhen-2, Align-GVGD) all suggest that this variant is likely to be disruptive. In summary, the available evidence is currently insufficient to determine the role of this variant in disease. Therefore, it has been classified as a Variant of Uncertain Significance.

NM_145199.3(LIPT1):c.152T>C (p.Ile51Thr)

Genes: MITD1 (microtubule interacting and trafficking domain containing 1; minus strand), LIPT1 (lipoyltransferase 1; plus strand). Cytogenetic location: 2q11.2.
Variant type: single nucleotide variant.
Coding change: c.152T>C on transcript NM_145199.3 (MANE Select); coding-DNA position 152, T replaced by C.
Protein change: p.Ile51Thr; replaces isoleucine 51 with threonine.
Molecular consequence: missense variant. On other transcripts: non-coding transcript variant (2).
Genome position (GRCh38, 1-based): chr2:99,162,109, T>C. VCF-style: chr2-99162109-T-C. GRCh37 (hg19) VCF-style: chr2-99778572-T-C.
Other names: c.152T>C, p.Ile51Thr (NM_001204830.2, NM_015929.4, NM_145197.3 and 1 more transcripts); short protein forms I51T.
Identifiers: ClinVar variation 1905837 (VCV001905837.5), dbSNP rs1574811318, ClinGen allele CA347851309.